The following is an entry in ClinVar:

NM_000038.6(APC):c.5651C>A (p.Ala1884Glu)

Gene: APC (APC regulator of Wnt signaling pathway; plus strand). Cytogenetic location: 5q22.2.
Variant type: single nucleotide variant.
Coding change: c.5651C>A on transcript NM_000038.6 (MANE Select); coding-DNA position 5651, C replaced by A.
Protein change: p.Ala1884Glu; replaces alanine 1884 with glutamic acid.
Molecular consequence: missense variant. On other transcripts: non-coding transcript variant (2).
Genome position (GRCh38, 1-based): chr5:112,841,245, C>A. VCF-style: chr5-112841245-C-A. GRCh37 (hg19) VCF-style: chr5-112176942-C-A.
Other names: c.5651C>A, p.Ala1884Glu (NM_001127510.3, NM_001354895.2, NM_001407450.1); c.5597C>A, p.Ala1866Glu (NM_001127511.3); c.5705C>A, p.Ala1902Glu (NM_001354896.2, NM_001407447.1, NM_001407448.1 and 1 more transcripts); c.5681C>A, p.Ala1894Glu (NM_001354897.2); c.5576C>A, p.Ala1859Glu (NM_001354898.2); c.5567C>A, p.Ala1856Glu (NM_001354899.2); c.5528C>A, p.Ala1843Glu (NM_001354900.2); c.5474C>A, p.Ala1825Glu (NM_001354901.2, NM_001407453.1); and 11 more; short protein forms A1500E, A1601E, A1724E, A1755E, A1758E, A1783E, A1793E, A1801E.
Identifiers: ClinVar variation 3230777 (VCV003230777.1), dbSNP rs1554086850, ClinGen allele CA16033702.
Genomic context (GRCh38, chr5:112,841,245, plus strand): 5'-CTCTAGATTTTGATGATGATGATGTTGACCTTTCCAGGGAAAAGGCTGAATTAAGAAAGG[C>A]AAAAGAAAATAAGGAATCAGAGGCTAAAGTTACCAGCCACACAGAACTAACCTCCAACCA-3'
Protein context (NP_000029.2, residues 1874-1894): LSREKAELRK[Ala1884Glu]KENKESEAKV

ClinVar aggregate classification (germline): Uncertain significance (1 of 4 stars; one submission).

Conditions:
Hereditary cancer-predisposing syndrome. Also called: Neoplastic Syndromes, Hereditary; Tumor predisposition; Hereditary neoplastic syndrome; Hereditary Cancer Syndrome. Identifiers: Orphanet 140162, MedGen C0027672, MeSH D009386, MONDO:0015356.

Submission:

Ambry Genetics
Classification: Uncertain significance for Hereditary cancer-predisposing syndrome. Last evaluated: 2023-09-20. Review status: criteria provided, single submitter. Criteria: Ambry Variant Classification Scheme 2023. Collection method: clinical testing. Allele origin: germline.
Comment: The p.A1884E variant (also known as c.5651C>A), located in coding exon 15 of the APC gene, results from a C to A substitution at nucleotide position 5651. The alanine at codon 1884 is replaced by glutamic acid, an amino acid with dissimilar properties. This amino acid position is conserved. In addition, in silico predictors for this gene do not accurately predict pathogenicity. Since supporting evidence is limited at this time, the clinical significance of this alteration remains unclear.